The following is an entry in ClinVar:

ClinVar aggregate classification (germline): Benign/Likely benign. Review status: criteria provided, multiple submitters, no conflicts (2 of 4 stars). 5 submissions from 5 submitters: Benign (1); Likely benign (4). Last evaluated 2025-10-07.

Conditions:
Hereditary cancer-predisposing syndrome. Also called: Neoplastic Syndromes, Hereditary; Tumor predisposition; Hereditary Cancer Syndrome; Hereditary neoplastic syndrome. Identifiers: Orphanet 140162, MedGen C0027672, MeSH D009386, MONDO:0015356.
Familial cancer of breast. Also called: BREAST CANCER, FAMILIAL; Hereditary breast cancer; hereditary breast carcinoma. Identifiers: Orphanet 227535, MedGen C0346153, MONDO:0016419, OMIM 114480. Disease mechanism: loss of function.

Allele frequency attached by ClinVar (database versions not stated): gnomAD exomes below 0.00001; TOPMed below 0.00001; gnomAD 0.00001.
gnomAD v4.1: 2 of 1,613,960 alleles (0.00012%); highest among the groups gnomAD compares: African/African-American, 0.0013%; no homozygotes.

Submissions (5):

Labcorp Genetics (formerly Invitae), Labcorp
Classification: Likely benign for Familial cancer of breast. Last evaluated: 2025-10-07. Review status: criteria provided, single submitter. Criteria: Invitae Variant Classification Sherloc (09022015). Collection method: clinical testing. Allele origin: germline.

Myriad Genetics, Inc.
Classification: Benign for Familial cancer of breast. Last evaluated: 2024-07-25. Review status: criteria provided, single submitter. Criteria: Myriad Autosomal Dominant, Autosomal Recessive and X-Linked Classification Criteria (2023). Collection method: clinical testing. Allele origin: unknown.
Comment: This variant is considered benign. This variant is a silent/synonymous amino acid change and it is not expected to impact splicing.

Color Diagnostics, LLC DBA Color Health
Classification: Likely benign for Hereditary cancer-predisposing syndrome. Last evaluated: 2024-01-08. Review status: criteria provided, single submitter. Criteria: ACMG Guidelines, 2015. Collection method: clinical testing. Allele origin: germline.

GeneDx
Classification: Likely benign. Last evaluated: 2018-06-06. Review status: criteria provided, single submitter. Criteria: GeneDx Variant Classification (06012015). Collection method: clinical testing. Allele origin: germline. Affected: yes.
Comment: This variant is considered likely benign or benign based on one or more of the following criteria: it is a conservative change, it occurs at a poorly conserved position in the protein, it is predicted to be benign by multiple in silico algorithms, and/or has population frequency not consistent with disease.

Ambry Genetics
Classification: Likely benign for Hereditary cancer-predisposing syndrome. Last evaluated: 2016-08-22. Review status: criteria provided, single submitter. Criteria: Ambry Variant Classification Scheme 2023. Collection method: clinical testing. Allele origin: germline.

NM_000465.4(BARD1):c.1456T>C (p.Leu486=)

Gene: BARD1 (BRCA1 associated RING domain 1; minus strand). Cytogenetic location: 2q35.
Variant type: single nucleotide variant.
Coding change: c.1456T>C on transcript NM_000465.4 (MANE Select); coding-DNA position 1456, T replaced by C.
Protein change: p.Leu486=; no amino-acid change (leucine 486 retained).
Molecular consequence: synonymous variant. On other transcripts: non-coding transcript variant (3), intron variant (3).
Genome position (GRCh38, 1-based): chr2:214,767,594, A>G on the plus strand (T>C on the coding strand, the complement: BARD1 is on the minus strand). VCF-style: chr2-214767594-A-G. GRCh37 (hg19) VCF-style: chr2-215632318-A-G.
Other names: c.1399T>C, p.Leu467= (NM_001282543.2); c.159-15039T>C (NM_001282548.2); c.216-15039T>C (NM_001282545.2); c.364+24703T>C (NM_001282549.2).
Identifiers: ClinVar variation 482799 (VCV000482799.18), dbSNP rs1446646798, ClinGen allele CA431129587.